The following is an entry in ClinVar:

ClinVar aggregate classification (germline): Uncertain significance (1 of 4 stars; one submission).

Conditions:
Inborn genetic diseases. Identifiers: MedGen C0950123, MeSH D030342.

Submission:

Ambry Genetics
Classification: Uncertain significance for Inborn genetic diseases. Last evaluated: 2024-04-06. Review status: criteria provided, single submitter. Criteria: Ambry Variant Classification Scheme 2023. Collection method: clinical testing. Allele origin: germline.
Comment: The p.G881S variant (also known as c.2641G>A), located in coding exon 20 of the BUB1B gene, results from a G to A substitution at nucleotide position 2641. The glycine at codon 881 is replaced by serine, an amino acid with similar properties. This amino acid position is conserved. In addition, this alteration is predicted to be deleterious by in silico analysis. Based on the available evidence, the clinical significance of this variant remains unclear.

NM_001211.6(BUB1B):c.2641G>A (p.Gly881Ser)

Gene: BUB1B (BUB1 mitotic checkpoint serine/threonine kinase B; plus strand). Cytogenetic location: 15q15.1.
Variant type: single nucleotide variant.
Coding change: c.2641G>A on transcript NM_001211.6 (MANE Select); coding-DNA position 2641, G replaced by A.
Protein change: p.Gly881Ser; replaces glycine 881 with serine.
Molecular consequence: missense variant.
Genome position (GRCh38, 1-based): chr15:40,213,437, G>A. VCF-style: chr15-40213437-G-A. GRCh37 (hg19) VCF-style: chr15-40505638-G-A.
Other names: short protein forms G881S.
Identifiers: ClinVar variation 3262232 (VCV003262232.1).